The following is an entry in ClinVar:

NM_001009944.3(PKD1):c.1098G>C (p.Ser366=)

Gene: PKD1 (polycystin 1, transient receptor potential channel interacting; minus strand). Cytogenetic location: 16p13.3.
Variant type: single nucleotide variant.
Coding change: c.1098G>C on transcript NM_001009944.3 (MANE Select); coding-DNA position 1098, G replaced by C.
Protein change: p.Ser366=; no amino-acid change (serine 366 retained).
Molecular consequence: synonymous variant.
Genome position (GRCh38, 1-based): chr16:2,117,894, C>G on the plus strand (G>C on the coding strand, the complement: PKD1 is on the minus strand). VCF-style: chr16-2117894-C-G. GRCh37 (hg19) VCF-style: chr16-2167895-C-G.
Other names: c.1098G>C, p.Ser366= (NM_000296.4).
Identifiers: ClinVar variation 3036499 (VCV003036499.2), dbSNP rs1450062463, ClinGen allele CA493050245.

ClinVar aggregate classification (germline): Likely benign (0 of 4 stars; one submission).

Conditions:
PKD1-related disorder. Also called: PKD1-related condition.

gnomAD v4.1: 7 of 1,177,086 alleles (0.00059%); highest among the groups gnomAD compares: Non-Finnish European, 0.00085%; no homozygotes.

Submission:

PreventionGenetics, part of Exact Sciences
Classification: Likely benign for PKD1-related condition. Last evaluated: 2023-10-25. Review status: no assertion criteria provided. Collection method: clinical testing. Allele origin: germline.
Comment: This variant is classified as likely benign based on ACMG/AMP sequence variant interpretation guidelines (Richards et al. 2015 PMID: 25741868, with internal and published modifications).